The following is an entry in ClinVar:

ClinVar aggregate classification (germline): Uncertain significance (1 of 4 stars; one submission).

Allele frequency attached by ClinVar (database versions not stated): gnomAD exomes below 0.00001; TOPMed below 0.00001; gnomAD 0.00001.
gnomAD v4.1: 2 of 1,607,984 alleles (0.00012%); highest among the groups gnomAD compares: Non-Finnish European, 0.00017%; no homozygotes.

Submission:

Ambry Genetics
Classification: Uncertain significance. Last evaluated: 2023-07-17. Review status: criteria provided, single submitter. Criteria: Ambry Variant Classification Scheme 2023. Collection method: clinical testing. Allele origin: germline.
Comment: The p.N648H variant (also known as c.1942A>C), located in coding exon 19 of the NEBL gene, results from an A to C substitution at nucleotide position 1942. The asparagine at codon 648 is replaced by histidine, an amino acid with similar properties. This amino acid position is conserved. In addition, this alteration is predicted to be tolerated by in silico analysis. Since supporting evidence is limited at this time, the clinical significance of this alteration remains unclear.

NM_006393.3(NEBL):c.1942A>C (p.Asn648His)

Gene: NEBL (nebulette; minus strand). Cytogenetic location: 10p12.31.
Variant type: single nucleotide variant.
Coding change: c.1942A>C on transcript NM_006393.3 (MANE Select); coding-DNA position 1942, A replaced by C.
Protein change: p.Asn648His; replaces asparagine 648 with histidine.
Molecular consequence: missense variant. On other transcripts: intron variant (9).
Genome position (GRCh38, 1-based): chr10:20,823,228, T>G on the plus strand (A>C on the coding strand, the complement: NEBL is on the minus strand). VCF-style: chr10-20823228-T-G. GRCh37 (hg19) VCF-style: chr10-21112157-T-G.
Other names: c.250-10288A>C (NM_001377326.1, NM_001377327.1, NM_001377328.1); c.358-10288A>C (NM_213569.2, NM_001173484.2, NM_001377322.1); c.301-10288A>C (NM_001377324.1); c.292-10288A>C (NM_001377325.1); c.310-10288A>C (NM_001377323.1); short protein forms N648H.
Identifiers: ClinVar variation 2625789 (VCV002625789.2), dbSNP rs1256851317, ClinGen allele CA376095444.